The following is an entry in ClinVar:

ClinVar aggregate classification (germline): Uncertain significance. Review status: criteria provided, multiple submitters, no conflicts (2 of 4 stars). 2 submissions from 2 submitters: Uncertain significance (2). Last evaluated 2024-11-11.

Conditions:
Inborn genetic diseases. Identifiers: MedGen C0950123, MeSH D030342.

Allele frequency attached by ClinVar (database versions not stated): gnomAD exomes 0.00002 and 0.00004; ExAC 0.00007.

Submissions (2):

Ambry Genetics
Classification: Uncertain significance for Inborn genetic diseases. Last evaluated: 2024-11-11. Review status: criteria provided, single submitter. Criteria: Ambry Variant Classification Scheme 2023. Collection method: clinical testing. Allele origin: germline.

Labcorp Genetics (formerly Invitae), Labcorp
Classification: Uncertain significance. Last evaluated: 2022-08-19. Review status: criteria provided, single submitter. Criteria: Invitae Variant Classification Sherloc (09022015). Collection method: clinical testing. Allele origin: germline.
Comment: This sequence change replaces glutamic acid, which is acidic and polar, with aspartic acid, which is acidic and polar, at codon 264 of the DGUOK protein (p.Glu264Asp). The frequency data for this variant in the population databases is considered unreliable, as metrics indicate poor data quality at this position in the gnomAD database. This variant has not been reported in the literature in individuals affected with DGUOK-related conditions. ClinVar contains an entry for this variant (Variation ID: 1430616). Algorithms developed to predict the effect of missense changes on protein structure and function (SIFT, PolyPhen-2, Align-GVGD) all suggest that this variant is likely to be tolerated. In summary, the available evidence is currently insufficient to determine the role of this variant in disease. Therefore, it has been classified as a Variant of Uncertain Significance.

NM_080916.3(DGUOK):c.792A>C (p.Glu264Asp)

Genes: DGUOK (deoxyguanosine kinase; plus strand), DGUOK-AS1 (DGUOK antisense RNA 1; minus strand). Cytogenetic location: 2p13.1.
Variant type: single nucleotide variant.
Coding change: c.792A>C on transcript NM_080916.3 (MANE Select); coding-DNA position 792, A replaced by C.
Protein change: p.Glu264Asp; replaces glutamic acid 264 with aspartic acid.
Molecular consequence: missense variant. On other transcripts: non-coding transcript variant (6).
Genome position (GRCh38, 1-based): chr2:73,958,230, A>C. VCF-style: chr2-73958230-A-C. GRCh37 (hg19) VCF-style: chr2-74185357-A-C.
Other names: c.510A>C, p.Glu170Asp (NM_001318859.2); c.501A>C, p.Glu167Asp (NM_001318860.2, NM_001318861.2); c.483A>C, p.Glu161Asp (NM_001318862.2, NM_001318863.2); c.528A>C, p.Glu176Asp (NM_080918.3); c.792A>C (NM_080916.1); short protein forms E264D, E161D, E167D, E170D, E176D.
Identifiers: ClinVar variation 1430616 (VCV001430616.4), dbSNP rs745732447, ClinGen allele CA1718359.